The following is an entry in ClinVar:

NM_000352.6(ABCC8):c.4239G>A (p.Pro1413=)

Gene: ABCC8 (ATP binding cassette subfamily C member 8; minus strand). Cytogenetic location: 11p15.1.
Variant type: single nucleotide variant.
Coding change: c.4239G>A on transcript NM_000352.6 (MANE Select); coding-DNA position 4239, G replaced by A.
Protein change: p.Pro1413=; no amino-acid change (proline 1413 retained).
Molecular consequence: synonymous variant. On other transcripts: non-coding transcript variant (1).
Genome position (GRCh38, 1-based): chr11:17,395,678, C>T on the plus strand (G>A on the coding strand, the complement: ABCC8 is on the minus strand). VCF-style: chr11-17395678-C-T. GRCh37 (hg19) VCF-style: chr11-17417225-C-T.
Other names: c.4239G>A (NM_000352.3); c.4242G>A, p.Pro1414= (NM_001287174.3); c.4305G>A, p.Pro1435= (NM_001351295.2); c.4239G>A, p.Pro1413= (NM_001351296.2); c.4236G>A, p.Pro1412= (NM_001351297.2).
Identifiers: ClinVar variation 794885 (VCV000794885.12), dbSNP rs373478721, ClinGen allele CA5902526.

ClinVar aggregate classification (germline): Conflicting classifications of pathogenicity. Review status: criteria provided, conflicting classifications (1 of 4 stars). 5 submissions from 4 submitters: Uncertain significance (2); Likely benign (2). 1 of the submissions does not count toward it. Last evaluated 2024-02-23.

Conditions:
Inborn genetic diseases. Identifiers: MedGen C0950123, MeSH D030342.
Transitory neonatal diabetes mellitus. Also called: Transient neonatal diabetes mellitus. Identifiers: MedGen C0342273, MONDO:0020525, HP:0008255.
Hereditary hyperinsulinism.
Maturity-onset diabetes of the young (MODY). Also called: Maturity onset diabetes mellitus in young. Identifiers: Orphanet 552, MedGen C0342276, MONDO:0018911, HP:0004904.

Allele frequency attached by ClinVar (database versions not stated): TOPMed 0.00002; ESP Exome Variant Server 0.00008; 1000 Genomes Project 30x 0.00016; 1000 Genomes Project 0.00020.
gnomAD v4.1: 86 of 1,560,506 alleles (0.0055%); highest among the groups gnomAD compares: South Asian, 0.032%; no homozygotes.

Submissions (5):

Labcorp Genetics (formerly Invitae), Labcorp
Classification: Likely benign. Last evaluated: 2024-02-23. Review status: criteria provided, single submitter. Criteria: Invitae Variant Classification Sherloc (09022015). Collection method: clinical testing. Allele origin: germline.

Ambry Genetics
Classification: Likely benign for Inborn genetic diseases. Last evaluated: 2023-03-19. Review status: criteria provided, single submitter. Criteria: Ambry Variant Classification Scheme 2023. Collection method: clinical testing. Allele origin: germline.

Clinical Genomics, Uppaluri K&H Personalized Medicine Clinic
Classification: Uncertain significance for Maturity-onset diabetes of the young. Review status: criteria provided, single submitter. Criteria: K & H Uppaluri Personalized Medicine Clinic Variant Classification & Assertion Criteria_Updated V.1. Collection method: research. Allele origin: somatic. Inheritance: Somatic mutation.
Comment: Mutations in ABCC8 gene are associated with both neonatal diabetes mellitus as well as MODY. Patients with this mutation may have a better response to sulfonylureas. However, no sufficient evidence is found to ascertain the role of this particular variant (rs373478721) in MODY yet.

Clinical Genomics, Uppaluri K&H Personalized Medicine Clinic
Classification: Uncertain significance for Transitory neonatal diabetes mellitus. Review status: criteria provided, single submitter. Criteria: K & H Uppaluri Personalized Medicine Clinic Variant Classification & Assertion Criteria_Updated V.1. Collection method: research. Allele origin: somatic. Inheritance: Somatic mutation.
Comment: Mutations in ABCC8 gene are associated with both neonatal diabetes mellitus as well as MODY. Patients with this mutation may have a better response to sulfonylureas. However, no sufficient evidence is found to ascertain the role of this particular variant (rs373478721 ) in neonatal diabetes yet.

Natera, Inc.
Classification: Likely benign for Hereditary hyperinsulinism. Last evaluated: 2020-09-14. Review status: no assertion criteria provided. Collection method: clinical testing. Allele origin: germline. Not counted in ClinVar's aggregate classification.

Literature cited by the submitters: PubMed 16885549 (cited by Clinical Genomics, Uppaluri K&H Personalized Medicine Clinic); PubMed 21989597 (cited by Clinical Genomics, Uppaluri K&H Personalized Medicine Clinic); PubMed 27538677 (cited by Clinical Genomics, Uppaluri K&H Personalized Medicine Clinic); PubMed 18981553 (cited by Clinical Genomics, Uppaluri K&H Personalized Medicine Clinic); PubMed 32027066 (cited by Clinical Genomics, Uppaluri K&H Personalized Medicine Clinic); PubMed 16613899 (cited by Clinical Genomics, Uppaluri K&H Personalized Medicine Clinic); PubMed 18025408 (cited by Clinical Genomics, Uppaluri K&H Personalized Medicine Clinic); PubMed 32792356 (cited by Clinical Genomics, Uppaluri K&H Personalized Medicine Clinic).